The following is an entry in ClinVar:

ClinVar aggregate classification (germline): Benign. Review status: criteria provided, multiple submitters, no conflicts (2 of 4 stars). 3 submissions from 3 submitters: Benign (3). Last evaluated 2018-06-16.

Conditions:
Combined oxidative phosphorylation defect type 7. Identifiers: Orphanet 254930, MedGen C3150801, MONDO:0013306, OMIM 613559.

Allele frequency attached by ClinVar (database versions not stated): TOPMed 0.61595; gnomAD 0.62265 and 0.63537; 1000 Genomes Project 30x 0.63601; 1000 Genomes Project 0.65136.
gnomAD v4.1: 427,884 of 580,034 alleles (74%); highest among the groups gnomAD compares: East Asian, 100%; 166,130 homozygotes.

Submissions (3):

GeneDx
Classification: Benign. Last evaluated: 2018-06-16. Review status: criteria provided, single submitter. Criteria: GeneDx Variant Classification Process June 2021. Collection method: clinical testing. Allele origin: germline. Affected: yes.

Illumina Laboratory Services, Illumina
Classification: Benign for Combined oxidative phosphorylation defect type 7. Last evaluated: 2017-04-27. Review status: criteria provided, single submitter. Criteria: ICSL Variant Classification Criteria 13 December 2019. Collection method: clinical testing. Allele origin: germline.
Comment: This variant was observed as part of a predisposition screen in an ostensibly healthy population. A literature search was performed for the gene, cDNA change, and amino acid change (where applicable). No publications were found based on this search. Allele frequency data from public databases was too high to be consistent with this variant causing disease. Therefore, this variant is classified as benign.

Breakthrough Genomics
Classification: Benign. Review status: criteria provided, single submitter. Criteria: ACMG Guidelines, 2015. Collection method: not provided. Allele origin: germline. Inheritance: Autosomal recessive inheritance. Affected: yes.

NM_152269.5(MTRFR):c.*198T>C

Gene: MTRFR (mitochondrial translation release factor in rescue; plus strand). Cytogenetic location: 12q24.31.
Variant type: single nucleotide variant.
Coding change: c.*198T>C on transcript NM_152269.5 (MANE Select); 198 bases downstream of the stop codon, T replaced by C.
Molecular consequence: 3 prime UTR variant.
Genome position (GRCh38, 1-based): chr12:123,257,229, T>C. VCF-style: chr12-123257229-T-C. GRCh37 (hg19) VCF-style: chr12-123741776-T-C.
Other names: c.*198T>C (NM_001143905.2, NM_001194995.1).
Identifiers: ClinVar variation 307502 (VCV000307502.9), dbSNP rs1969354, ClinGen allele CA10636670.